The following is an entry in ClinVar:

NM_001365276.2(TNXB):c.6007C>T (p.Leu2003Phe)

Gene: TNXB (tenascin XB; minus strand). Cytogenetic location: 6p21.33.
Variant type: single nucleotide variant.
Coding change: c.6007C>T on transcript NM_001365276.2 (MANE Select); coding-DNA position 6007, C replaced by T.
Protein change: p.Leu2003Phe; replaces leucine 2003 with phenylalanine.
Molecular consequence: missense variant.
Genome position (GRCh38, 1-based): chr6:32,068,603, G>A on the plus strand (C>T on the coding strand, the complement: TNXB is on the minus strand). VCF-style: chr6-32068603-G-A. GRCh37 (hg19) VCF-style: chr6-32036380-G-A.
Other names: c.6007C>T, p.Leu2003Phe (NM_019105.8); short protein forms L2003F.
Identifiers: ClinVar variation 1751049 (VCV001751049.2), dbSNP rs2483573049, ClinGen allele CA363404632.

ClinVar aggregate classification (germline): Uncertain significance (1 of 4 stars; one submission).

Conditions:
Cardiovascular phenotype. Identifiers: MedGen CN230736.

gnomAD v4.1: 1 of 1,613,944 alleles (0.000062%); no homozygotes.

Submission:

Ambry Genetics
Classification: Uncertain significance for Cardiovascular phenotype. Last evaluated: 2022-05-09. Review status: criteria provided, single submitter. Criteria: Ambry Variant Classification Scheme 2023. Collection method: clinical testing. Allele origin: germline.
Comment: The p.L2003F variant (also known as c.6007C>T), located in coding exon 16 of the TNXB gene, results from a C to T substitution at nucleotide position 6007. The leucine at codon 2003 is replaced by phenylalanine, an amino acid with highly similar properties. This amino acid position is conserved. In addition, this alteration is predicted to be tolerated by in silico analysis. Since supporting evidence is limited at this time, the clinical significance of this alteration remains unclear.